The following is an entry in ClinVar:

ClinVar aggregate classification (germline): Uncertain significance (1 of 4 stars; one submission).

Conditions:
Emery-Dreifuss muscular dystrophy 4, autosomal dominant (EDMD4). Also called: EMERY-DREIFUSS MUSCULAR DYSTROPHY 4 WITH VARIABLE FEATURES. Identifiers: Orphanet 261, MedGen C2751807, MONDO:0013071, OMIM 612998.
Autosomal recessive ataxia, Beauce type. Also called: Spinocerebellar ataxia, autosomal recessive 8; ATAXIA, RECESSIVE, OF BEAUCE; SYNE1-Related Autosomal Recessive Cerebellar Ataxia; SYNE1 Deficiency. Identifiers: Orphanet 88644, MedGen C1853116, MONDO:0012549, OMIM 610743.

Submission:

Labcorp Genetics (formerly Invitae), Labcorp
Classification: Uncertain significance for Emery-Dreifuss muscular dystrophy 4, autosomal dominant; Autosomal recessive ataxia, Beauce type. Last evaluated: 2024-11-19. Review status: criteria provided, single submitter. Criteria: Invitae Variant Classification Sherloc (09022015). Collection method: clinical testing. Allele origin: germline.
Comment: This sequence change replaces glutamic acid, which is acidic and polar, with glutamine, which is neutral and polar, at codon 4651 of the SYNE1 protein (p.Glu4651Gln). This variant is not present in population databases (gnomAD no frequency). This variant has not been reported in the literature in individuals affected with SYNE1-related conditions. An algorithm developed to predict the effect of missense changes on protein structure and function outputs the following: PolyPhen-2: "Benign". The glutamine amino acid residue is found in multiple mammalian species, which suggests that this missense change does not adversely affect protein function. In summary, the available evidence is currently insufficient to determine the role of this variant in disease. Therefore, it has been classified as a Variant of Uncertain Significance.

NM_182961.4(SYNE1):c.14164G>C (p.Glu4722Gln)

Gene: SYNE1 (spectrin repeat containing nuclear envelope protein 1; minus strand). Cytogenetic location: 6q25.2.
Variant type: single nucleotide variant.
Coding change: c.14164G>C on transcript NM_182961.4 (MANE Select); coding-DNA position 14164, G replaced by C.
Protein change: p.Glu4722Gln; replaces glutamic acid 4722 with glutamine.
Molecular consequence: missense variant.
Genome position (GRCh38, 1-based): chr6:152,330,521, C>G on the plus strand (G>C on the coding strand, the complement: SYNE1 is on the minus strand). VCF-style: chr6-152330521-C-G. GRCh37 (hg19) VCF-style: chr6-152651656-C-G.
Other names: c.13951G>C, p.Glu4651Gln (NM_033071.5); short protein forms E4651Q, E4722Q.
Identifiers: ClinVar variation 3748571 (VCV003748571.2).